The following is an entry in ClinVar:

NM_001134363.3(RBM20):c.3173A>G (p.Gln1058Arg)

Gene: RBM20 (RNA binding motif protein 20; plus strand). Cytogenetic location: 10q25.2.
Variant type: single nucleotide variant.
Coding change: c.3173A>G on transcript NM_001134363.3 (MANE Select); coding-DNA position 3173, A replaced by G.
Protein change: p.Gln1058Arg; replaces glutamine 1058 with arginine.
Molecular consequence: missense variant.
Genome position (GRCh38, 1-based): chr10:110,821,792, A>G. VCF-style: chr10-110821792-A-G. GRCh37 (hg19) VCF-style: chr10-112581550-A-G.
Other names: c.3173A>G (NM_001134363.1); short protein forms Q1058R.
Identifiers: ClinVar variation 849141 (VCV000849141.10), dbSNP rs1844915728, ClinGen allele CA378381527.

ClinVar aggregate classification (germline): Uncertain significance. Review status: criteria provided, multiple submitters, no conflicts (2 of 4 stars). 2 submissions from 2 submitters: Uncertain significance (2). Last evaluated 2025-04-22.

Conditions:
Cardiovascular phenotype. Identifiers: MedGen CN230736.
Dilated cardiomyopathy 1DD (CMD1DD). Identifiers: Orphanet 154, MedGen C2750995, MONDO:0013168, OMIM 613172.

Submissions (2):

Labcorp Genetics (formerly Invitae), Labcorp
Classification: Uncertain significance for Dilated cardiomyopathy 1DD. Last evaluated: 2025-04-22. Review status: criteria provided, single submitter. Criteria: Invitae Variant Classification Sherloc (09022015). Collection method: clinical testing. Allele origin: germline.
Comment: This sequence change replaces glutamine, which is neutral and polar, with arginine, which is basic and polar, at codon 1058 of the RBM20 protein (p.Gln1058Arg). This variant is not present in population databases (gnomAD no frequency). This variant has not been reported in the literature in individuals affected with RBM20-related conditions. ClinVar contains an entry for this variant (Variation ID: 849141). Invitae Evidence Modeling of protein sequence and biophysical properties (such as structural, functional, and spatial information, amino acid conservation, physicochemical variation, residue mobility, and thermodynamic stability) indicates that this missense variant is not expected to disrupt RBM20 protein function with a negative predictive value of 95%. In summary, the available evidence is currently insufficient to determine the role of this variant in disease. Therefore, it has been classified as a Variant of Uncertain Significance.

Ambry Genetics
Classification: Uncertain significance for Cardiovascular phenotype. Last evaluated: 2024-11-10. Review status: criteria provided, single submitter. Criteria: Ambry Variant Classification Scheme 2023. Collection method: clinical testing. Allele origin: germline.
Comment: The p.Q1058R variant (also known as c.3173A>G), located in coding exon 11 of the RBM20 gene, results from an A to G substitution at nucleotide position 3173. The glutamine at codon 1058 is replaced by arginine, an amino acid with highly similar properties. This amino acid position is conserved. In addition, this alteration is predicted to be tolerated by in silico analysis. Based on the available evidence, the clinical significance of this variant remains unclear.